The following is an entry in ClinVar:

NM_001379500.1(COL18A1):c.2188G>T (p.Gly730Cys)

Gene: COL18A1 (collagen type XVIII alpha 1 chain; plus strand). Cytogenetic location: 21q22.3.
Variant type: single nucleotide variant.
Coding change: c.2188G>T on transcript NM_001379500.1 (MANE Select); coding-DNA position 2188, G replaced by T.
Protein change: p.Gly730Cys; replaces glycine 730 with cysteine.
Molecular consequence: missense variant.
Genome position (GRCh38, 1-based): chr21:45,492,687, G>T. VCF-style: chr21-45492687-G-T. GRCh37 (hg19) VCF-style: chr21-46912601-G-T.
Other names: c.2728G>T, p.Gly910Cys (NM_030582.4); c.3433G>T, p.Gly1145Cys (NM_130444.3); short protein forms G730C, G910C, G1145C.
Identifiers: ClinVar variation 1507348 (VCV001507348.3), dbSNP rs1462703295, ClinGen allele CA410497185.

ClinVar aggregate classification (germline): Uncertain significance (1 of 4 stars; one submission).

Allele frequency attached by ClinVar (database versions not stated): gnomAD exomes below 0.00001 and 0.00001; gnomAD 0.00001; TOPMed 0.00001.
gnomAD v4.1: 21 of 1,611,170 alleles (0.0013%); highest among the groups gnomAD compares: Non-Finnish European, 0.0016%; no homozygotes.

Submission:

Labcorp Genetics (formerly Invitae), Labcorp
Classification: Uncertain significance. Last evaluated: 2021-07-24. Review status: criteria provided, single submitter. Criteria: Invitae Variant Classification Sherloc (09022015). Collection method: clinical testing. Allele origin: germline.
Comment: This sequence change replaces glycine with cysteine at codon 730 of the COL18A1 protein (p.Gly730Cys). There is a large physicochemical difference between glycine and cysteine. This variant is not present in population databases (ExAC no frequency). This variant has not been reported in the literature in individuals affected with COL18A1-related conditions. Experimental studies and prediction algorithms are not available or were not evaluated, and the functional significance of this variant is currently unknown. In summary, the available evidence is currently insufficient to determine the role of this variant in disease. Therefore, it has been classified as a Variant of Uncertain Significance.